The following is an entry in ClinVar:

ClinVar aggregate classification (germline): Likely pathogenic (1 of 4 stars; one submission).

Submission:

GeneDx
Classification: Likely pathogenic. Last evaluated: 2023-11-28. Review status: criteria provided, single submitter. Criteria: GeneDx Variant Classification Process June 2021. Collection method: clinical testing. Allele origin: germline. Affected: yes.
Comment: Frameshift variant predicted to result in protein truncation or nonsense mediated decay in a gene for which loss of function is a known mechanism of disease; Not observed at significant frequency in large population cohorts (gnomAD); Has not been previously published as pathogenic or benign to our knowledge

NM_194248.3(OTOF):c.4642del (p.Glu1548fs)

Gene: OTOF (otoferlin; minus strand). Cytogenetic location: 2p23.3.
Variant type: Deletion.
Coding change: c.4642del on transcript NM_194248.3 (MANE Select); coding-DNA position 4642, one base deleted (G; older notation c.4642delG).
Protein change: p.Glu1548fs; shifts the reading frame from glutamic acid 1548.
Molecular consequence: frameshift variant.
Genome position (GRCh38, 1-based): chr2:26,465,829, C deleted on the plus strand (G on the coding strand, the reverse complement: OTOF is on the minus strand). VCF-style (leftmost placement, unchanged base first): chr2-26465828-TC-T. GRCh37 (hg19) VCF-style: chr2-26688696-TC-T.
Other names: c.4642del, p.Glu1548fs (NM_001287489.2); c.2341del, p.Glu781fs (NM_004802.4, NM_194323.3); c.2572del, p.Glu858fs (NM_194322.3); short protein forms E1548fs, E781fs, E858fs.
Identifiers: ClinVar variation 3342509 (VCV003342509.1).